The following is an entry in ClinVar:

ClinVar aggregate classification (germline): Likely benign (1 of 4 stars; one submission).

Conditions:
Malignant hyperthermia, susceptibility to, 1 (MHS1). Also called: RYR1-Related Malignant Hyperthermia Susceptibility; Anesthesia related hyperthermia; Malignant hyperpyrexia; Fulminating hyperpyrexia; Pharmacogenic myopathy; Malignant hyperthermia suceptibility 1. Identifiers: Orphanet 423, MedGen C2930980, MONDO:0007783, OMIM 145600.

Allele frequency attached by ClinVar (database versions not stated): TOPMed below 0.00001.

Submission:

All of Us Research Program, National Institutes of Health
Classification: Likely benign for Malignant hyperthermia, susceptibility to, 1. Last evaluated: 2023-04-28. Review status: criteria provided, single submitter. Criteria: ACMG Guidelines, 2015. Collection method: clinical testing. Allele origin: germline. Inheritance: Autosomal dominant inheritance. Observed: 1 variant allele, 1 heterozygote.
Comment: This study involves interpretation of variants in research participants for the purpose of population health screening. Participant phenotype was not available at the time of variant classification. Additional details can be found in publication PMID: 35346344, PMCID: PMC8962531

NM_000540.3(RYR1):c.1776T>C (p.His592=)

Gene: RYR1 (ryanodine receptor 1; plus strand). Cytogenetic location: 19q13.2.
Variant type: single nucleotide variant.
Coding change: c.1776T>C on transcript NM_000540.3 (MANE Select); coding-DNA position 1776, T replaced by C.
Protein change: p.His592=; no amino-acid change (histidine 592 retained).
Molecular consequence: synonymous variant.
Genome position (GRCh38, 1-based): chr19:38,455,736, T>C. VCF-style: chr19-38455736-T-C. GRCh37 (hg19) VCF-style: chr19-38946376-T-C.
Other names: c.1776T>C, p.His592= (NM_001042723.2).
Identifiers: ClinVar variation 3070538 (VCV003070538.1), dbSNP rs1340675635, ClinGen allele CA507243155.
Genomic context (GRCh38, chr19:38,455,736, plus strand): 5'-GGTTCTGAACATCATCCAGGAGAATCACATCAAGTCCATCATCTCCCTCCTGGACAAGCA[T>C]GGGAGGAACCACAAGGTCGGCCCCTCACCCCTGACCTCTCATCCCCTGAACTCTGAATGC-3'
Protein context (NP_000531.2, residues 582-602): IKSIISLLDK[His592=]GRNHKVLDVL